The following is an entry in ClinVar:

ClinVar aggregate classification (germline): Uncertain significance (1 of 4 stars; one submission).

Conditions:
Congenital myasthenic syndrome 14. Also called: Myasthenic syndrome, congenital, 14, with tubular aggregates. Identifiers: Orphanet 353327, Orphanet 590, MedGen C4015597, MONDO:0014543, OMIM 616228.
Congenital disorder of glycosylation, type Ii. Also called: ALG2-CDG; CDG Ii; ALG2-congenital disorder of glycosylation. Identifiers: Orphanet 79326, MedGen C1842836, MONDO:0011933, OMIM 607906.

Allele frequency attached by ClinVar (database versions not stated): gnomAD exomes 0.00001 and 0.00003; gnomAD 0.00002; ExAC 0.00003; TOPMed 0.00001.

Submission:

Labcorp Genetics (formerly Invitae), Labcorp
Classification: Uncertain significance for Congenital disorder of glycosylation, type Ii; Congenital myasthenic syndrome 14. Last evaluated: 2022-08-23. Review status: criteria provided, single submitter. Criteria: Invitae Variant Classification Sherloc (09022015). Collection method: clinical testing. Allele origin: germline.
Comment: This sequence change replaces isoleucine, which is neutral and non-polar, with valine, which is neutral and non-polar, at codon 121 of the ALG2 protein (p.Ile121Val). This variant is present in population databases (rs774204697, gnomAD 0.04%). This variant has not been reported in the literature in individuals affected with ALG2-related conditions. ClinVar contains an entry for this variant (Variation ID: 1063530). Algorithms developed to predict the effect of missense changes on protein structure and function (SIFT, PolyPhen-2, Align-GVGD) all suggest that this variant is likely to be tolerated. In summary, the available evidence is currently insufficient to determine the role of this variant in disease. Therefore, it has been classified as a Variant of Uncertain Significance.

NM_033087.4(ALG2):c.361A>G (p.Ile121Val)

Gene: ALG2 (ALG2 alpha-1,3/1,6-mannosyltransferase; minus strand). Cytogenetic location: 9q22.33.
Variant type: single nucleotide variant.
Coding change: c.361A>G on transcript NM_033087.4 (MANE Select); coding-DNA position 361, A replaced by G.
Protein change: p.Ile121Val; replaces isoleucine 121 with valine.
Molecular consequence: missense variant. On other transcripts: non-coding transcript variant (1).
Genome position (GRCh38, 1-based): chr9:99,218,824, T>C on the plus strand (A>G on the coding strand, the complement: ALG2 is on the minus strand). VCF-style: chr9-99218824-T-C. GRCh37 (hg19) VCF-style: chr9-101981106-T-C.
Other names: short protein forms I121V.
Identifiers: ClinVar variation 1063530 (VCV001063530.6), dbSNP rs774204697, ClinGen allele CA5156339.
Genomic context (GRCh38, chr9:99,218,824, plus strand): 5'-CTGGGAAGTGACAGTAAAATAGGATCTTCTTCCGCCGTCTAGCCAGCCTGAACACTGGGA[T>C]ACAGGCAGACACCTAGCCAAAGCAAAAATCAACAGCGGATAAAGTGGTCAACTCAACTTC-3'
Protein context (NP_149078.1, residues 111-131): VVVCDQVSAC[Ile121Val]PVFRLARRRK